The following is an entry in ClinVar:

ClinVar aggregate classification (germline): Likely benign (1 of 4 stars; one submission).

Conditions:
COL4A3-related disorder. Also called: COL4A3-related condition; COL4A3-Related Disorders.

gnomAD v4.1: 12 of 1,613,784 alleles (0.00074%); highest among the groups gnomAD compares: South Asian, 0.0055%; no homozygotes.

Submission:

PreventionGenetics, part of Exact Sciences
Classification: Likely benign for COL4A3-related condition. Last evaluated: 2025-08-21. Review status: criteria provided, single submitter. Criteria: ACMG Guidelines, 2015. Collection method: clinical testing. Allele origin: germline.
Comment: This variant is classified as likely benign based on ACMG/AMP sequence variant interpretation guidelines (Richards et al. 2015 PMID: 25741868, with internal and published modifications).

NM_000091.5(COL4A3):c.3211-8C>T

Genes: COL4A3 (collagen type IV alpha 3 chain; plus strand), MFF-DT (MFF divergent transcript; minus strand). Cytogenetic location: 2q36.3.
Variant type: single nucleotide variant.
Coding change: c.3211-8C>T on transcript NM_000091.5 (MANE Select); 8 bases into the intron before coding-DNA position 3211, C replaced by T.
Molecular consequence: intron variant.
Genome position (GRCh38, 1-based): chr2:227,293,183, C>T. VCF-style: chr2-227293183-C-T. GRCh37 (hg19) VCF-style: chr2-228157899-C-T.
Identifiers: ClinVar variation 4982414 (VCV004982414.1).
Genomic context (GRCh38, chr2:227,293,183, plus strand): 5'-TTTATGCTGAATTCTTACCACATATCCTGCTTATATGAGAATTTTAAAGGTATTTGACTA[C>T]ATTTAAGGGGGATCCAGGACTGCCGGGTGATATGGGAAAGAAAGGAGAAATGGGGCAACC-3'